The following is an entry in ClinVar:

NM_002769.5(PRSS1):c.562T>C (p.Phe188Leu)

Genes: PRSS1 (serine protease 1; plus strand), TRB (T cell receptor beta locus; plus strand). Cytogenetic location: 7q34.
Variant type: single nucleotide variant.
Coding change: c.562T>C on transcript NM_002769.5 (MANE Select); coding-DNA position 562, T replaced by C.
Protein change: p.Phe188Leu; replaces phenylalanine 188 with leucine.
Molecular consequence: missense variant. On other transcripts: non-coding transcript variant (5).
Genome position (GRCh38, 1-based): chr7:142,752,538, T>C. VCF-style: chr7-142752538-T-C. GRCh37 (hg19) VCF-style: chr7-142460389-T-C.
Other names: short protein forms F188L.
Identifiers: ClinVar variation 3783974 (VCV003783974.1).

ClinVar aggregate classification (germline): Uncertain significance (1 of 4 stars; one submission).

Conditions:
Hereditary pancreatitis (PCTT). Also called: PRSS1-Related Hereditary Pancreatitis; Hereditary chronic pancreatitis. Identifiers: Orphanet 676, MedGen C0238339, MONDO:0008185, OMIM 167800.

Submission:

Ambry Genetics
Classification: Uncertain significance for Hereditary pancreatitis. Last evaluated: 2025-01-17. Review status: criteria provided, single submitter. Criteria: Ambry Variant Classification Scheme 2023. Collection method: clinical testing. Allele origin: germline.
Comment: The p.F188L variant (also known as c.562T>C), located in coding exon 4 of the PRSS1 gene, results from a T to C substitution at nucleotide position 562. The phenylalanine at codon 188 is replaced by leucine, an amino acid with highly similar properties. This amino acid position is conserved. In addition, the in silico prediction for this alteration is inconclusive. Based on the available evidence, the clinical significance of this variant remains unclear.